The following is an entry in ClinVar:

NM_033100.4(CDHR1):c.60G>A (p.Gln20=)

Gene: CDHR1 (cadherin related family member 1; plus strand). Cytogenetic location: 10q23.1.
Variant type: single nucleotide variant.
Coding change: c.60G>A on transcript NM_033100.4 (MANE Select); coding-DNA position 60, G replaced by A.
Protein change: p.Gln20=; no amino-acid change (glutamine 20 retained).
Molecular consequence: synonymous variant.
Genome position (GRCh38, 1-based): chr10:84,195,498, G>A. VCF-style: chr10-84195498-G-A. GRCh37 (hg19) VCF-style: chr10-85955254-G-A.
Other names: c.60G>A, p.Gln20= (NM_001171971.3).
Identifiers: ClinVar variation 2020491 (VCV002020491.4), dbSNP rs1842012483, ClinGen allele CA470503296.
Genomic context (GRCh38, chr10:84,195,498, plus strand): 5'-CTGGTGTCTGGGTGTCCTTTGCCTGGGTGTCCGTCTGTTCTGTGTTCTTTTTCCAGCTCA[G>A]GCCAACTTCGCCCCGCACTTCTTCGACAACGGGGTCGGCAGCACCAACGGAAACATGGCT-3'
Protein context (NP_149091.1, residues 10-30): ALGLLRLCLA[Gln20=]ANFAPHFFDN

ClinVar aggregate classification (germline): Uncertain significance (1 of 4 stars; one submission).

Allele frequency attached by ClinVar (database versions not stated): TOPMed below 0.00001.
gnomAD v4.1: 1 of 1,613,926 alleles (0.000062%); no homozygotes.

Submission:

Labcorp Genetics (formerly Invitae), Labcorp
Classification: Uncertain significance. Last evaluated: 2022-03-16. Review status: criteria provided, single submitter. Criteria: Invitae Variant Classification Sherloc (09022015). Collection method: clinical testing. Allele origin: germline.
Comment: This sequence change affects codon 20 of the CDHR1 mRNA. It is a 'silent' change, meaning that it does not change the encoded amino acid sequence of the CDHR1 protein. This variant is not present in population databases (gnomAD no frequency). This variant has not been reported in the literature in individuals affected with CDHR1-related conditions. Algorithms developed to predict the effect of sequence changes on RNA splicing suggest that this variant may disrupt the consensus splice site. In summary, the available evidence is currently insufficient to determine the role of this variant in disease. Therefore, it has been classified as a Variant of Uncertain Significance.